The following is an entry in ClinVar:

ClinVar aggregate classification (germline): Likely benign. Review status: criteria provided, multiple submitters, no conflicts (2 of 4 stars). 4 submissions from 4 submitters: Likely benign (3). 1 of the submissions does not count toward it. Last evaluated 2025-04-01.

Conditions:
Inborn genetic diseases. Identifiers: MedGen C0950123, MeSH D030342.
D2HGDH-related disorder. Also called: D2HGDH-related condition.
D-2-hydroxyglutaric aciduria 1 (D2HGA1). Identifiers: Orphanet 79315, MedGen C3152055, MONDO:0024554, OMIM 600721.

Allele frequency attached by ClinVar (database versions not stated): ExAC 0.00010; 1000 Genomes Project 0.00020; gnomAD exomes 0.00025; 1000 Genomes Project 30x 0.00047; gnomAD 0.00086 and 0.00094; TOPMed 0.00099.
gnomAD v4.1: 287 of 1,528,818 alleles (0.019%); highest among the groups gnomAD compares: African/African-American, 0.3%; 1 homozygote.

Submissions (4):

Labcorp Genetics (formerly Invitae), Labcorp
Classification: Likely benign for D-2-hydroxyglutaric aciduria 1. Last evaluated: 2025-04-01. Review status: criteria provided, single submitter. Criteria: Invitae Variant Classification Sherloc (09022015). Collection method: clinical testing. Allele origin: germline.

Ambry Genetics
Classification: Likely benign for Inborn genetic diseases. Last evaluated: 2022-05-25. Review status: criteria provided, single submitter. Criteria: Ambry Variant Classification Scheme 2023. Collection method: clinical testing. Allele origin: germline.

Breakthrough Genomics
Classification: Likely benign. Review status: criteria provided, single submitter. Criteria: ACMG Guidelines, 2015. Collection method: not provided. Allele origin: germline. Inheritance: Autosomal recessive inheritance. Affected: yes.

PreventionGenetics, part of Exact Sciences
Classification: Likely benign for D2HGDH-related condition. Last evaluated: 2022-06-02. Review status: no assertion criteria provided. Collection method: clinical testing. Allele origin: germline. Not counted in ClinVar's aggregate classification.
Comment: This variant is classified as likely benign based on ACMG/AMP sequence variant interpretation guidelines (Richards et al. 2015 PMID: 25741868, with internal and published modifications).

NM_152783.5(D2HGDH):c.76C>T (p.Arg26Trp)

Gene: D2HGDH (D-2-hydroxyglutarate dehydrogenase; plus strand). Cytogenetic location: 2q37.3.
Variant type: single nucleotide variant.
Coding change: c.76C>T on transcript NM_152783.5 (MANE Select); coding-DNA position 76, C replaced by T.
Protein change: p.Arg26Trp; replaces arginine 26 with tryptophan.
Molecular consequence: missense variant. On other transcripts: 5 prime UTR variant (1), non-coding transcript variant (1), intron variant (1).
Genome position (GRCh38, 1-based): chr2:241,735,300, C>T. VCF-style: chr2-241735300-C-T. GRCh37 (hg19) VCF-style: chr2-242674715-C-T.
Other names: c.76C>T (NM_152783.3); c.-469C>T (NM_001352824.2); c.-111+605C>T (NM_001287249.2); short protein forms R26W.
Identifiers: ClinVar variation 715392 (VCV000715392.14), dbSNP rs146696295, ClinGen allele CA2221504.